The following is an entry in ClinVar:

NM_000281.4(PCBD1):c.313T>C (p.Ter105Gln)

Gene: PCBD1 (pterin-4 alpha-carbinolamine dehydratase 1; minus strand). Cytogenetic location: 10q22.1.
Variant type: single nucleotide variant.
Coding change: c.313T>C on transcript NM_000281.4 (MANE Select); coding-DNA position 313, T replaced by C.
Protein change: p.Ter105Gln.
Molecular consequence: stop lost. On other transcripts: intron variant (1).
Genome position (GRCh38, 1-based): chr10:70,883,952, A>G on the plus strand (T>C on the coding strand, the complement: PCBD1 is on the minus strand). VCF-style: chr10-70883952-A-G. GRCh37 (hg19) VCF-style: chr10-72643709-A-G.
Other names: *105Q; *56Q; c.166T>C, p.Ter56Gln (NM_001289797.2); c.216+1200T>C (NM_001323004.2); c.313T>C (NM_000281.2).
Identifiers: ClinVar variation 428616 (VCV000428616.10), dbSNP rs770334825, ClinGen allele CA5541569.

ClinVar aggregate classification (germline): Conflicting classifications of pathogenicity. Review status: criteria provided, conflicting classifications (1 of 4 stars). 3 submissions from 3 submitters: Pathogenic (1); Likely pathogenic (1); Uncertain significance (1). Last evaluated 2025-09-02.

Conditions:
Pterin-4 alpha-carbinolamine dehydratase 1 deficiency. Also called: HYPERPHENYLALANINEMIA WITH PRIMAPTERINURIA; HYPERPHENYLALANINEMIA, TETRAHYDROBIOPTERIN-DEFICIENT, DUE TO PTERIN-4-ALPHA-CARBINOLAMINE DEHYDRATASE DEFICIENCY; Hyperphenylalaninemia due to dehydratase deficiency; CADH DEFICIENCY. Identifiers: Orphanet 1578, Orphanet 238583, MedGen C1849700, MONDO:0009908, OMIM 264070.

Allele frequency attached by ClinVar (database versions not stated): gnomAD exomes below 0.00001; ExAC 0.00001.

Submissions (3):

Labcorp Genetics (formerly Invitae), Labcorp
Classification: Uncertain significance for Pterin-4 alpha-carbinolamine dehydratase 1 deficiency. Last evaluated: 2025-09-02. Review status: criteria provided, single submitter. Criteria: Invitae Variant Classification Sherloc (09022015). Collection method: clinical testing. Allele origin: germline.
Comment: This sequence change disrupts the translational stop signal of the PCBD1 mRNA. It is expected to extend the length of the PCBD1 protein by 14 additional amino acid residues. This variant is present in population databases (rs770334825, gnomAD 0.003%). This protein extension has been observed in individual(s) with clinical features of biopterin-deficient hyperphenylalaninemia (PMID: 24133926, 27246466). ClinVar contains an entry for this variant (Variation ID: 428616). Experimental studies and prediction algorithms are not available or were not evaluated, and the functional significance of this variant is currently unknown. In summary, the available evidence is currently insufficient to determine the role of this variant in disease. Therefore, it has been classified as a Variant of Uncertain Significance.

GeneDx
Classification: Likely pathogenic. Last evaluated: 2025-01-21. Review status: criteria provided, single submitter. Criteria: GeneDx Variant Classification Process June 2021. Collection method: clinical testing. Allele origin: germline. Affected: yes.
Comment: Stop codon loss and change to a Glutamine codon, leading to protein extension and the addition of 14 amino acid(s) at the C-terminus; Not observed at significant frequency in large population cohorts (gnomAD); This variant is associated with the following publications: (PMID: 24133926, 27246466, 36208030)

National Reference Laboratory of Biochemistry, Pasteur Institute of Iran
Classification: Pathogenic for Pterin-4 alpha-carbinolamine dehydratase 1 deficiency. Last evaluated: 2015-01-01. Review status: criteria provided, single submitter. Criteria: Shohreh Khatami. Collection method: research. Allele origin: not applicable. Inheritance: Autosomal recessive inheritance.

Literature cited by the submitters: PubMed 24133926 (cited by Labcorp Genetics (formerly Invitae), Labcorp); PubMed 27246466 (cited by Labcorp Genetics (formerly Invitae), Labcorp and National Reference Laboratory of Biochemistry, Pasteur Institute of Iran); PMC 5355377 (cited by National Reference Laboratory of Biochemistry, Pasteur Institute of Iran).